The following is an entry in ClinVar:

NM_001267550.2(TTN):c.77314G>C (p.Val25772Leu)

Genes: TTN (titin; minus strand), TTN-AS1 (TTN antisense RNA 1; plus strand). Cytogenetic location: 2q31.2.
Variant type: single nucleotide variant.
Coding change: c.77314G>C on transcript NM_001267550.2 (MANE Select); coding-DNA position 77314, G replaced by C.
Protein change: p.Val25772Leu; replaces valine 25772 with leucine.
Molecular consequence: missense variant.
Genome position (GRCh38, 1-based): chr2:178,568,818, C>G on the plus strand (G>C on the coding strand, the complement: TTN is on the minus strand). VCF-style: chr2-178568818-C-G. GRCh37 (hg19) VCF-style: chr2-179433545-C-G.
Other names: c.72391G>C, p.Val24131Leu (NM_001256850.1); c.50119G>C, p.Val16707Leu (NM_003319.4); c.69610G>C, p.Val23204Leu (NM_133378.4); c.50494G>C, p.Val16832Leu (NM_133432.3); c.50695G>C, p.Val16899Leu (NM_133437.4); short protein forms V16707L, V16832L, V16899L, V23204L, V24131L, V25772L.
Identifiers: ClinVar variation 5037169 (VCV005037169.1).
Genomic context (GRCh38, chr2:178,568,818, plus strand): 5'-TGGCAACTATTGGAACTGCAAGGGACCGAGGATCACTTCTCCCCTTTTCATTTACAGCAA[C>G]AACTCTAAAAAGATATTCTTCCCCTTGAGTTAGGTTGGTAATTACTGCCTGAAGAGACTT-3'
Protein context (NP_001254479.2, residues 25762-25782): TQGEEYLFRV[Val25772Leu]AVNEKGRSDP

ClinVar aggregate classification (germline): Uncertain significance (1 of 4 stars; one submission).

Submission:

GeneDx
Classification: Uncertain significance. Last evaluated: 2026-04-14. Review status: criteria provided, single submitter. Criteria: GeneDx Variant Classification Process June 2021. Collection method: clinical testing. Allele origin: germline.
Comment: Not observed at significant frequency in large population cohorts (gnomAD); Missense variant in a gene in which most reported pathogenic variants are truncating/loss of function; Has not been previously published as pathogenic or benign to our knowledge